The following is an entry in ClinVar:

NM_000246.4(CIITA):c.1225C>T (p.Arg409Trp)

Gene: CIITA (class II major histocompatibility complex transactivator; plus strand). Cytogenetic location: 16p13.13.
Variant type: single nucleotide variant.
Coding change: c.1225C>T on transcript NM_000246.4 (MANE Select); coding-DNA position 1225, C replaced by T.
Protein change: p.Arg409Trp; replaces arginine 409 with tryptophan.
Molecular consequence: missense variant. On other transcripts: intron variant (1).
Genome position (GRCh38, 1-based): chr16:10,906,717, C>T. VCF-style: chr16-10906717-C-T. GRCh37 (hg19) VCF-style: chr16-11000574-C-T.
Other names: c.1228C>T, p.Arg410Trp (NM_001286402.1, NM_001379332.1); c.1081C>T, p.Arg361Trp (NM_001379330.1); c.1078C>T, p.Arg360Trp (NM_001379331.1); c.1225C>T, p.Arg409Trp (NM_001379333.1); c.1156C>T, p.Arg386Trp (NM_001379334.1); c.859+1905C>T (NM_001286403.2); short protein forms R410W, R409W, R360W, R361W, R386W.
Identifiers: ClinVar variation 648300 (VCV000648300.9), dbSNP rs137895901, ClinGen allele CA7900085.

ClinVar aggregate classification (germline): Uncertain significance. Review status: criteria provided, multiple submitters, no conflicts (2 of 4 stars). 3 submissions from 3 submitters: Uncertain significance (2). 1 of the submissions does not count toward it. Last evaluated 2024-01-22.

Conditions:
MHC class II deficiency. Also called: Bare lymphocyte syndrome 2; BLS, TYPE II. Identifiers: Orphanet 572, MedGen C5447452, MONDO:0008855.
Inborn genetic diseases. Identifiers: MedGen C0950123, MeSH D030342.

Allele frequency attached by ClinVar (database versions not stated): gnomAD 0.00009 and 0.00010; ExAC 0.00010; TOPMed 0.00011.
gnomAD v4.1: 162 of 1,611,360 alleles (0.01%); highest among the groups gnomAD compares: Admixed American, 0.017%; no homozygotes.

Submissions (3):

Ambry Genetics
Classification: Uncertain significance for Inborn genetic diseases. Last evaluated: 2024-01-22. Review status: criteria provided, single submitter. Criteria: Ambry Variant Classification Scheme 2023. Collection method: clinical testing. Allele origin: germline.

Labcorp Genetics (formerly Invitae), Labcorp
Classification: Uncertain significance for MHC class II deficiency. Last evaluated: 2022-08-23. Review status: criteria provided, single submitter. Criteria: Invitae Variant Classification Sherloc (09022015). Collection method: clinical testing. Allele origin: germline.
Comment: This sequence change replaces arginine, which is basic and polar, with tryptophan, which is neutral and slightly polar, at codon 409 of the CIITA protein (p.Arg409Trp). This variant is present in population databases (rs137895901, gnomAD 0.01%). This variant has not been reported in the literature in individuals affected with CIITA-related conditions. ClinVar contains an entry for this variant (Variation ID: 648300). Algorithms developed to predict the effect of missense changes on protein structure and function output the following: SIFT: "Tolerated"; PolyPhen-2: "Benign"; Align-GVGD: "Class C0". The tryptophan amino acid residue is found in multiple mammalian species, which suggests that this missense change does not adversely affect protein function. In summary, the available evidence is currently insufficient to determine the role of this variant in disease. Therefore, it has been classified as a Variant of Uncertain Significance.

Natera, Inc.
Classification: Uncertain significance for Bare lymphocyte syndrome type II. Last evaluated: 2020-02-24. Review status: no assertion criteria provided. Collection method: clinical testing. Allele origin: germline. Not counted in ClinVar's aggregate classification.